The following is an entry in ClinVar:

ClinVar aggregate classification (germline): Likely benign. Review status: criteria provided, multiple submitters, no conflicts (2 of 4 stars). 3 submissions from 3 submitters: Likely benign (3). Last evaluated 2024-10-29.

Conditions:
KBG syndrome (KBGS). Also called: ANKRD11-Related KBG Syndrome. Identifiers: Orphanet 2332, MedGen C0220687, MONDO:0007846, OMIM 148050.
Inborn genetic diseases. Identifiers: MedGen C0950123, MeSH D030342.

Allele frequency attached by ClinVar (database versions not stated): gnomAD exomes 0.00001 and 0.00005; ExAC 0.00006; gnomAD 0.00012 and 0.00014; TOPMed 0.00018; ESP Exome Variant Server 0.00023.
gnomAD v4.1: 37 of 1,613,980 alleles (0.0023%); highest among the groups gnomAD compares: African/African-American, 0.04%; no homozygotes.

Submissions (3):

Ambry Genetics
Classification: Likely benign for Inborn genetic diseases. Last evaluated: 2024-10-29. Review status: criteria provided, single submitter. Criteria: Ambry Variant Classification Scheme 2023. Collection method: clinical testing. Allele origin: germline.

Labcorp Genetics (formerly Invitae), Labcorp
Classification: Likely benign for KBG syndrome. Last evaluated: 2024-04-29. Review status: criteria provided, single submitter. Criteria: Invitae Variant Classification Sherloc (09022015). Collection method: clinical testing. Allele origin: germline.

GeneDx
Classification: Likely benign. Last evaluated: 2021-02-09. Review status: criteria provided, single submitter. Criteria: GeneDx Variant Classification Process June 2021. Collection method: clinical testing. Allele origin: germline. Affected: yes.
Comment: This variant is associated with the following publications: (PMID: 31566922)

NM_013275.6(ANKRD11):c.2579C>T (p.Ser860Leu)

Gene: ANKRD11 (ankyrin repeat domain 11; minus strand). Cytogenetic location: 16q24.3.
Variant type: single nucleotide variant.
Coding change: c.2579C>T on transcript NM_013275.6 (MANE Select); coding-DNA position 2579, C replaced by T.
Protein change: p.Ser860Leu; replaces serine 860 with leucine.
Molecular consequence: missense variant.
Genome position (GRCh38, 1-based): chr16:89,283,963, G>A on the plus strand (C>T on the coding strand, the complement: ANKRD11 is on the minus strand). VCF-style: chr16-89283963-G-A. GRCh37 (hg19) VCF-style: chr16-89350371-G-A.
Other names: c.2579C>T, p.Ser860Leu (NM_001256182.2, NM_001256183.2); c.2579C>T (NM_013275.4); short protein forms S860L.
Identifiers: ClinVar variation 1300621 (VCV001300621.7), dbSNP rs145730800, ClinGen allele CA8242558.